The following is an entry in ClinVar:

NM_005475.3(SH2B3):c.334G>A (p.Ala112Thr)

Gene: SH2B3 (SH2B adaptor protein 3; plus strand). Cytogenetic location: 12q24.12.
Variant type: single nucleotide variant.
Coding change: c.334G>A on transcript NM_005475.3 (MANE Select); coding-DNA position 334, G replaced by A.
Protein change: p.Ala112Thr; replaces alanine 112 with threonine.
Molecular consequence: missense variant.
Genome position (GRCh38, 1-based): chr12:111,418,479, G>A. VCF-style: chr12-111418479-G-A. GRCh37 (hg19) VCF-style: chr12-111856283-G-A.
Other names: short protein forms A112T.
Identifiers: ClinVar variation 3440753 (VCV003440753.1).

ClinVar aggregate classification (germline): Uncertain significance (1 of 4 stars; one submission).

Conditions:
Inborn genetic diseases. Identifiers: MedGen C0950123, MeSH D030342.

gnomAD v4.1: 14 of 1,352,838 alleles (0.001%); highest among the groups gnomAD compares: Admixed American, 0.043%; no homozygotes.

Submission:

Ambry Genetics
Classification: Uncertain significance for Inborn genetic diseases. Last evaluated: 2024-11-21. Review status: criteria provided, single submitter. Criteria: Ambry Variant Classification Scheme 2023. Collection method: clinical testing. Allele origin: germline.
Comment: The p.A112T variant (also known as c.334G>A), located in coding exon 1 of the SH2B3 gene, results from a G to A substitution at nucleotide position 334. The alanine at codon 112 is replaced by threonine, an amino acid with similar properties. This amino acid position is conserved. In addition, this alteration is predicted to be tolerated by in silico analysis. Based on the available evidence, the clinical significance of this variant remains unclear.